The following is an entry in ClinVar:

NM_001080508.3(TBX18):c.1351C>T (p.Pro451Ser)

Gene: TBX18 (T-box transcription factor 18; minus strand). Cytogenetic location: 6q14.3.
Variant type: single nucleotide variant.
Coding change: c.1351C>T on transcript NM_001080508.3 (MANE Select); coding-DNA position 1351, C replaced by T.
Protein change: p.Pro451Ser; replaces proline 451 with serine.
Molecular consequence: missense variant.
Genome position (GRCh38, 1-based): chr6:84,737,158, G>A on the plus strand (C>T on the coding strand, the complement: TBX18 is on the minus strand). VCF-style: chr6-84737158-G-A. GRCh37 (hg19) VCF-style: chr6-85446876-G-A.
Other names: c.1351C>T (NM_001080508.1); short protein forms P451S.
Identifiers: ClinVar variation 3021224 (VCV003021224.4), dbSNP rs561554028, ClinGen allele CA3910853.

ClinVar aggregate classification (germline): Uncertain significance. Review status: criteria provided, multiple submitters, no conflicts (2 of 4 stars). 2 submissions from 2 submitters: Uncertain significance (2). Last evaluated 2025-02-13.

Conditions:
Inborn genetic diseases. Identifiers: MedGen C0950123, MeSH D030342.

Allele frequency attached by ClinVar (database versions not stated): 1000 Genomes Project 30x 0.00016; gnomAD 0.00003; gnomAD exomes 0.00004; ExAC 0.00005; TOPMed 0.00003; 1000 Genomes Project 0.00020.
gnomAD v4.1: 28 of 1,614,044 alleles (0.0017%); highest among the groups gnomAD compares: Admixed American, 0.032%; no homozygotes.

Submissions (2):

Labcorp Genetics (formerly Invitae), Labcorp
Classification: Uncertain significance. Last evaluated: 2025-02-13. Review status: criteria provided, single submitter. Criteria: Invitae Variant Classification Sherloc (09022015). Collection method: clinical testing. Allele origin: germline.
Comment: This sequence change replaces proline, which is neutral and non-polar, with serine, which is neutral and polar, at codon 451 of the TBX18 protein (p.Pro451Ser). This variant is present in population databases (rs561554028, gnomAD 0.05%). This variant has not been reported in the literature in individuals affected with TBX18-related conditions. ClinVar contains an entry for this variant (Variation ID: 3021224). Invitae Evidence Modeling of protein sequence and biophysical properties (such as structural, functional, and spatial information, amino acid conservation, physicochemical variation, residue mobility, and thermodynamic stability) indicates that this missense variant is not expected to disrupt TBX18 protein function with a negative predictive value of 80%. In summary, the available evidence is currently insufficient to determine the role of this variant in disease. Therefore, it has been classified as a Variant of Uncertain Significance.

Ambry Genetics
Classification: Uncertain significance for Inborn genetic diseases. Last evaluated: 2024-12-07. Review status: criteria provided, single submitter. Criteria: Ambry Variant Classification Scheme 2023. Collection method: clinical testing. Allele origin: germline.